The following is an entry in ClinVar:

NM_020975.6(RET):c.974C>T (p.Ala325Val)

Gene: RET (ret proto-oncogene; plus strand). Cytogenetic location: 10q11.21.
Variant type: single nucleotide variant.
Coding change: c.974C>T on transcript NM_020975.6 (MANE Select); coding-DNA position 974, C replaced by T.
Protein change: p.Ala325Val; replaces alanine 325 with valine.
Molecular consequence: missense variant.
Genome position (GRCh38, 1-based): chr10:43,106,482, C>T. VCF-style: chr10-43106482-C-T. GRCh37 (hg19) VCF-style: chr10-43601930-C-T.
Other names: c.974C>T, p.Ala325Val (NM_000323.2, NM_001406743.1, NM_001406744.1 and 6 more transcripts); c.212C>T, p.Ala71Val (NM_001355216.2); c.845C>T, p.Ala282Val (NM_001406761.1, NM_001406762.1, NM_001406764.1 and 1 more transcripts); c.686C>T, p.Ala229Val (NM_001406766.1, NM_001406767.1, NM_001406770.1); short protein forms A71V, A325V, A229V, A282V.
Identifiers: ClinVar variation 2122442 (VCV002122442.4), dbSNP rs746865459, ClinGen allele CA045692.

ClinVar aggregate classification (germline): Uncertain significance (1 of 4 stars; one submission).

Conditions:
Multiple endocrine neoplasia, type 2 (MEN2). Identifiers: Orphanet 653, MedGen C4048306, MONDO:0019003. Disease mechanism: gain of function.

Allele frequency attached by ClinVar (database versions not stated): ExAC 0.00001.

Submission:

Labcorp Genetics (formerly Invitae), Labcorp
Classification: Uncertain significance for Multiple endocrine neoplasia, type 2. Last evaluated: 2022-04-10. Review status: criteria provided, single submitter. Criteria: Invitae Variant Classification Sherloc (09022015). Collection method: clinical testing. Allele origin: germline.
Comment: This sequence change replaces alanine, which is neutral and non-polar, with valine, which is neutral and non-polar, at codon 325 of the RET protein (p.Ala325Val). This variant is present in population databases (rs746865459, gnomAD 0.0009%). This variant has not been reported in the literature in individuals affected with RET-related conditions. Algorithms developed to predict the effect of missense changes on protein structure and function output the following: SIFT: "Tolerated"; PolyPhen-2: "Benign"; Align-GVGD: "Class C0". The valine amino acid residue is found in multiple mammalian species, which suggests that this missense change does not adversely affect protein function. In summary, the available evidence is currently insufficient to determine the role of this variant in disease. Therefore, it has been classified as a Variant of Uncertain Significance.